The following is an entry in ClinVar:

ClinVar aggregate classification (germline): Likely benign. Review status: criteria provided, multiple submitters, no conflicts (2 of 4 stars). 5 submissions from 5 submitters: Likely benign (2). 3 of the submissions do not count toward it. Last evaluated 2026-05-01.

Conditions:
RAI1-related disorder. Also called: RAI1-related condition.

Allele frequency attached by ClinVar (database versions not stated): gnomAD exomes 0.00004 and 0.00009; TOPMed 0.00007; ExAC 0.00008; gnomAD 0.00008; ESP Exome Variant Server 0.00023.
gnomAD v4.1: 146 of 1,613,106 alleles (0.0091%); highest among the groups gnomAD compares: Non-Finnish European, 0.012%; no homozygotes.

Submissions (5):

CeGaT Center for Human Genetics Tuebingen
Classification: Likely benign. Last evaluated: 2026-05-01. Review status: criteria provided, single submitter. Criteria: CeGaT Center For Human Genetics Tuebingen Variant Classification Criteria Version 2. Collection method: clinical testing. Allele origin: germline. Affected: yes. Observed: 1 variant allele.
Comment: RAI1: BP4, BP7

Labcorp Genetics (formerly Invitae), Labcorp
Classification: Likely benign. Last evaluated: 2026-01-19. Review status: criteria provided, single submitter. Criteria: Invitae Variant Classification Sherloc (09022015). Collection method: clinical testing. Allele origin: germline.

PreventionGenetics, part of Exact Sciences
Classification: Likely benign for RAI1-related condition. Last evaluated: 2020-12-09. Review status: no assertion criteria provided. Collection method: clinical testing. Allele origin: germline. Not counted in ClinVar's aggregate classification.
Comment: This variant is classified as likely benign based on ACMG/AMP sequence variant interpretation guidelines (Richards et al. 2015 PMID: 25741868, with internal and published modifications).

Clinical Genetics DNA and cytogenetics Diagnostics Lab, Erasmus MC, Erasmus Medical Center
Classification: Likely benign. Review status: no assertion criteria provided. Collection method: clinical testing. Allele origin: germline. Affected: yes. Study: VKGL Data-share Consensus. Not counted in ClinVar's aggregate classification.

Genome Diagnostics Laboratory, University Medical Center Utrecht
Classification: Likely benign. Review status: no assertion criteria provided. Collection method: clinical testing. Allele origin: germline. Affected: yes. Study: VKGL Data-share Consensus. Not counted in ClinVar's aggregate classification.

NM_030665.4(RAI1):c.1650C>T (p.Pro550=)

Gene: RAI1 (retinoic acid induced 1; plus strand). Cytogenetic location: 17p11.2.
Variant type: single nucleotide variant.
Coding change: c.1650C>T on transcript NM_030665.4 (MANE Select); coding-DNA position 1650, C replaced by T.
Protein change: p.Pro550=; no amino-acid change (proline 550 retained).
Molecular consequence: synonymous variant.
Genome position (GRCh38, 1-based): chr17:17,794,598, C>T. VCF-style: chr17-17794598-C-T. GRCh37 (hg19) VCF-style: chr17-17697912-C-T.
Other names: c.1650C>T (NM_030665.3).
Identifiers: ClinVar variation 1285007 (VCV001285007.11), dbSNP rs143287802, ClinGen allele CA8418375.
Genomic context (GRCh38, chr17:17,794,598, plus strand): 5'-CTACTGCAACCAGGCCCGTGGCAGCCCTGCCAGGGTCAACAGCAACTCGAAGGCCAAGCC[C>T]GAGTCCGTGTCCACCTGTTCTGTGACCTCTCCTGACGACATGTCCACCAAATCTGACGAC-3'
Protein context (NP_109590.3, residues 540-560): ARVNSNSKAK[Pro550=]ESVSTCSVTS